The following is an entry in ClinVar:

NM_001991.5(EZH1):c.1120A>G (p.Asn374Asp)

Gene: EZH1 (enhancer of zeste 1 polycomb repressive complex 2 subunit; minus strand). Cytogenetic location: 17q21.2.
Variant type: single nucleotide variant.
Coding change: c.1120A>G on transcript NM_001991.5 (MANE Select); coding-DNA position 1120, A replaced by G.
Protein change: p.Asn374Asp; replaces asparagine 374 with aspartic acid.
Molecular consequence: missense variant.
Genome position (GRCh38, 1-based): chr17:42,713,293, T>C on the plus strand (A>G on the coding strand, the complement: EZH1 is on the minus strand). VCF-style: chr17-42713293-T-C. GRCh37 (hg19) VCF-style: chr17-40865311-T-C.
Other names: c.1138A>G, p.Asn380Asp (NM_001321079.2); c.1093A>G, p.Asn365Asp (NM_001321081.2); c.1000A>G, p.Asn334Asp (NM_001321082.2); short protein forms N334D, N365D, N374D, N380D.
Identifiers: ClinVar variation 3373488 (VCV003373488.1).

ClinVar aggregate classification (germline): Uncertain significance (1 of 4 stars; one submission).

Submission:

GeneDx
Classification: Uncertain significance. Last evaluated: 2024-02-28. Review status: criteria provided, single submitter. Criteria: GeneDx Variant Classification Process June 2021. Collection method: clinical testing. Allele origin: germline. Affected: yes.
Comment: Not observed at significant frequency in large population cohorts (gnomAD); In silico analysis supports that this missense variant does not alter protein structure/function; Has not been previously published as pathogenic or benign to our knowledge